The following is an entry in ClinVar:

ClinVar aggregate classification (germline): Uncertain significance. Review status: criteria provided, multiple submitters, no conflicts (2 of 4 stars). 3 submissions from 3 submitters: Uncertain significance (3). Last evaluated 2024-04-17.

Conditions:
Inborn genetic diseases. Identifiers: MedGen C0950123, MeSH D030342.
Aortic valve disease 2 (AOVD2). Identifiers: MedGen C3542024, MONDO:0013902, OMIM 614823.

Allele frequency attached by ClinVar (database versions not stated): TOPMed 0.00002.
gnomAD v4.1: 2 of 1,608,676 alleles (0.00012%); highest among the groups gnomAD compares: African/African-American, 0.0013%; no homozygotes.

Submissions (3):

Labcorp Genetics (formerly Invitae), Labcorp
Classification: Uncertain significance for Aortic valve disease 2. Last evaluated: 2024-04-17. Review status: criteria provided, single submitter. Criteria: Invitae Variant Classification Sherloc (09022015). Collection method: clinical testing. Allele origin: germline.
Comment: This sequence change replaces proline, which is neutral and non-polar, with leucine, which is neutral and non-polar, at codon 397 of the SMAD6 protein (p.Pro397Leu). This variant is not present in population databases (gnomAD no frequency). This variant has not been reported in the literature in individuals affected with SMAD6-related conditions. ClinVar contains an entry for this variant (Variation ID: 1316090). Advanced modeling of protein sequence and biophysical properties (such as structural, functional, and spatial information, amino acid conservation, physicochemical variation, residue mobility, and thermodynamic stability) performed at Invitae indicates that this missense variant is not expected to disrupt SMAD6 protein function with a negative predictive value of 80%. In summary, the available evidence is currently insufficient to determine the role of this variant in disease. Therefore, it has been classified as a Variant of Uncertain Significance.

Ambry Genetics
Classification: Uncertain significance for Inborn genetic diseases. Last evaluated: 2022-04-14. Review status: criteria provided, single submitter. Criteria: Ambry Variant Classification Scheme 2023. Collection method: clinical testing. Allele origin: germline.

GeneDx
Classification: Uncertain significance. Last evaluated: 2020-07-10. Review status: criteria provided, single submitter. Criteria: GeneDx Variant Classification Process June 2021. Collection method: clinical testing. Allele origin: germline. Affected: yes.
Comment: Not observed in large population cohorts (Lek et al., 2016); In silico analysis supports that this missense variant has a deleterious effect on protein structure/function; Has not been previously published as pathogenic or benign to our knowledge

NM_005585.5(SMAD6):c.1190C>T (p.Pro397Leu)

Gene: SMAD6 (SMAD family member 6; plus strand). Cytogenetic location: 15q22.31.
Variant type: single nucleotide variant.
Coding change: c.1190C>T on transcript NM_005585.5 (MANE Select); coding-DNA position 1190, C replaced by T.
Protein change: p.Pro397Leu; replaces proline 397 with leucine.
Molecular consequence: missense variant. On other transcripts: non-coding transcript variant (1).
Genome position (GRCh38, 1-based): chr15:66,781,234, C>T. VCF-style: chr15-66781234-C-T. GRCh37 (hg19) VCF-style: chr15-67073572-C-T.
Other names: short protein forms P397L.
Identifiers: ClinVar variation 1316090 (VCV001316090.6), dbSNP rs1182175490, ClinGen allele CA393202052.